The following is an entry in ClinVar:

ClinVar aggregate classification (germline): Likely benign (1 of 4 stars; one submission).

Submission:

CeGaT Center for Human Genetics Tuebingen
Classification: Likely benign. Last evaluated: 2025-11-01. Review status: criteria provided, single submitter. Criteria: CeGaT Center For Human Genetics Tuebingen Variant Classification Criteria Version 2. Collection method: clinical testing. Allele origin: germline. Affected: yes. Observed: 1 variant allele.
Comment: SLITRK2: BP4, BP7

NM_032539.5(SLITRK2):c.447C>T (p.Ile149=)

Gene: SLITRK2 (SLIT and NTRK like family member 2; plus strand). Cytogenetic location: Xq27.3.
Variant type: single nucleotide variant.
Coding change: c.447C>T on transcript NM_032539.5 (MANE Select); coding-DNA position 447, C replaced by T.
Protein change: p.Ile149=; no amino-acid change (isoleucine 149 retained).
Molecular consequence: synonymous variant.
Genome position (GRCh38, 1-based): chrX:145,822,872, C>T. VCF-style: chrX-145822872-C-T. GRCh37 (hg19) VCF-style: chrX-144904390-C-T.
Other names: c.447C>T, p.Ile149= (NM_001144003.3, NM_001144004.3, NM_001144005.3 and 4 more transcripts).
Identifiers: ClinVar variation 4535258 (VCV004535258.6).